The following is an entry in ClinVar:

ClinVar aggregate classification (germline): Uncertain significance (1 of 4 stars; one submission).

gnomAD v4.1: 3 of 1,613,848 alleles (0.00019%); highest among the groups gnomAD compares: East Asian, 0.0022%; no homozygotes.

Submission:

GeneDx
Classification: Uncertain significance. Last evaluated: 2024-08-09. Review status: criteria provided, single submitter. Criteria: GeneDx Variant Classification Process June 2021. Collection method: clinical testing. Allele origin: germline. Affected: yes.
Comment: Not observed at significant frequency in large population cohorts (gnomAD); In silico analysis supports that this missense variant has a deleterious effect on protein structure/function; Has not been previously published as pathogenic or benign to our knowledge

NM_015100.4(POGZ):c.1609C>T (p.Arg537Cys)

Gene: POGZ (pogo transposable element derived with ZNF domain; minus strand). Cytogenetic location: 1q21.3.
Variant type: single nucleotide variant.
Coding change: c.1609C>T on transcript NM_015100.4 (MANE Select); coding-DNA position 1609, C replaced by T.
Protein change: p.Arg537Cys; replaces arginine 537 with cysteine.
Molecular consequence: missense variant.
Genome position (GRCh38, 1-based): chr1:151,423,466, G>A on the plus strand (C>T on the coding strand, the complement: POGZ is on the minus strand). VCF-style: chr1-151423466-G-A. GRCh37 (hg19) VCF-style: chr1-151395942-G-A.
Other names: c.1582C>T, p.Arg528Cys (NM_001194937.2); c.1423C>T, p.Arg475Cys (NM_001194938.2); c.1630C>T, p.Arg544Cys (NM_001410860.1); c.1324C>T, p.Arg442Cys (NM_145796.4); c.1450C>T, p.Arg484Cys (NM_207171.2); short protein forms R475C, R442C, R528C, R544C, R484C, R537C.
Identifiers: ClinVar variation 3730997 (VCV003730997.1).